The following is an entry in ClinVar:

NM_004304.5(ALK):c.2264A>T (p.His755Leu)

Gene: ALK (ALK receptor tyrosine kinase; minus strand). Cytogenetic location: 2p23.2.
Variant type: single nucleotide variant.
Coding change: c.2264A>T on transcript NM_004304.5 (MANE Select); coding-DNA position 2264, A replaced by T.
Protein change: p.His755Leu; replaces histidine 755 with leucine.
Molecular consequence: missense variant.
Genome position (GRCh38, 1-based): chr2:29,239,771, T>A on the plus strand (A>T on the coding strand, the complement: ALK is on the minus strand). VCF-style: chr2-29239771-T-A. GRCh37 (hg19) VCF-style: chr2-29462637-T-A.
Other names: short protein forms H755L.
Identifiers: ClinVar variation 538271 (VCV000538271.12), dbSNP rs375480327, ClinGen allele CA1594377.

ClinVar aggregate classification (germline): Uncertain significance. Review status: criteria provided, multiple submitters, no conflicts (2 of 4 stars). 2 submissions from 2 submitters: Uncertain significance (2). Last evaluated 2023-09-01.

Conditions:
Hereditary cancer-predisposing syndrome. Also called: Neoplastic Syndromes, Hereditary; Tumor predisposition; Hereditary Cancer Syndrome; Hereditary neoplastic syndrome. Identifiers: Orphanet 140162, MedGen C0027672, MeSH D009386, MONDO:0015356.
Neuroblastoma, susceptibility to, 3. Also called: ALK-Related Neuroblastic Tumor Susceptibility. Identifiers: Orphanet 635, MedGen C2751681, MONDO:0013083, OMIM 613014.

Allele frequency attached by ClinVar (database versions not stated): gnomAD exomes below 0.00001 and 0.00001; ExAC 0.00001; gnomAD 0.00001; TOPMed 0.00002; ESP Exome Variant Server 0.00008.
gnomAD v4.1: 7 of 1,613,948 alleles (0.00043%); highest among the groups gnomAD compares: Non-Finnish European, 0.00059%; no homozygotes.

Submissions (2):

Ambry Genetics
Classification: Uncertain significance for Hereditary cancer-predisposing syndrome. Last evaluated: 2023-09-01. Review status: criteria provided, single submitter. Criteria: Ambry Variant Classification Scheme 2023. Collection method: clinical testing. Allele origin: germline.
Comment: The p.H755L variant (also known as c.2264A>T), located in coding exon 13 of the ALK gene, results from an A to T substitution at nucleotide position 2264. The histidine at codon 755 is replaced by leucine, an amino acid with similar properties. This amino acid position is conserved. In addition, this alteration is predicted to be tolerated by in silico analysis. Since supporting evidence is limited at this time, the clinical significance of this alteration remains unclear.

Labcorp Genetics (formerly Invitae), Labcorp
Classification: Uncertain significance for Neuroblastoma, susceptibility to, 3. Last evaluated: 2019-06-04. Review status: criteria provided, single submitter. Criteria: Invitae Variant Classification Sherloc (09022015). Collection method: clinical testing. Allele origin: germline.
Comment: This sequence change replaces histidine with leucine at codon 755 of the ALK protein (p.His755Leu). The histidine residue is highly conserved and there is a moderate physicochemical difference between histidine and leucine. This variant is present in population databases (rs375480327, ExAC 0.002%). This variant has not been reported in the literature in individuals with ALK-related disease. Algorithms developed to predict the effect of missense changes on protein structure and function do not agree on the potential impact of this missense change (SIFT: "Deleterious"; PolyPhen-2: "Benign"; Align-GVGD: "Class C0"). In summary, the available evidence is currently insufficient to determine the role of this variant in disease. Therefore, it has been classified as a Variant of Uncertain Significance.